The following is an entry in ClinVar:

ClinVar aggregate classification (germline): Uncertain significance (1 of 4 stars; one submission).

Conditions:
Hereditary cancer-predisposing syndrome. Also called: Neoplastic Syndromes, Hereditary; Hereditary Cancer Syndrome; Hereditary neoplastic syndrome; Tumor predisposition. Identifiers: Orphanet 140162, MedGen C0027672, MeSH D009386, MONDO:0015356.

Allele frequency attached by ClinVar (database versions not stated): gnomAD exomes below 0.00001.
gnomAD v4.1: 1 of 1,613,962 alleles (0.000062%); highest among the groups gnomAD compares: Non-Finnish European, 0.000085%; no homozygotes.

Submission:

Ambry Genetics
Classification: Uncertain significance for Hereditary cancer-predisposing syndrome. Last evaluated: 2023-03-30. Review status: criteria provided, single submitter. Criteria: Ambry Variant Classification Scheme 2023. Collection method: clinical testing. Allele origin: germline.
Comment: The p.H514R variant (also known as c.1541A>G), located in coding exon 14 of the FANCC gene, results from an A to G substitution at nucleotide position 1541. The histidine at codon 514 is replaced by arginine, an amino acid with highly similar properties. This amino acid position is conserved. In addition, this alteration is predicted to be tolerated by in silico analysis. Since supporting evidence is limited at this time, the clinical significance of this alteration remains unclear.

NM_000136.3(FANCC):c.1541A>G (p.His514Arg)

Genes: AOPEP (aminopeptidase O (putative); plus strand), FANCC (FA complementation group C; minus strand). Cytogenetic location: 9q22.32.
Variant type: single nucleotide variant.
Coding change: c.1541A>G on transcript NM_000136.3 (MANE Select); coding-DNA position 1541, A replaced by G.
Protein change: p.His514Arg; replaces histidine 514 with arginine.
Molecular consequence: missense variant.
Genome position (GRCh38, 1-based): chr9:95,101,843, T>C on the plus strand (A>G on the coding strand, the complement: FANCC is on the minus strand). VCF-style: chr9-95101843-T-C. GRCh37 (hg19) VCF-style: chr9-97864125-T-C.
Other names: c.1541A>G, p.His514Arg (NM_001243743.2); short protein forms H514R.
Identifiers: ClinVar variation 2565542 (VCV002565542.2), dbSNP rs2134383801, ClinGen allele CA374104843.